The following is an entry in ClinVar:

ClinVar aggregate classification (germline): Uncertain significance (1 of 4 stars; one submission).

Submission:

Labcorp Genetics (formerly Invitae), Labcorp
Classification: Uncertain significance. Last evaluated: 2022-10-04. Review status: criteria provided, single submitter. Criteria: Invitae Variant Classification Sherloc (09022015). Collection method: clinical testing. Allele origin: germline.
Comment: This sequence change replaces tryptophan, which is neutral and slightly polar, with serine, which is neutral and polar, at codon 872 of the MYO15A protein (p.Trp872Ser). In summary, the available evidence is currently insufficient to determine the role of this variant in disease. Therefore, it has been classified as a Variant of Uncertain Significance. Advanced modeling of protein sequence and biophysical properties (such as structural, functional, and spatial information, amino acid conservation, physicochemical variation, residue mobility, and thermodynamic stability) performed at Invitae indicates that this missense variant is not expected to disrupt MYO15A protein function. This variant has not been reported in the literature in individuals affected with MYO15A-related conditions. This variant is not present in population databases (gnomAD no frequency).

NM_016239.4(MYO15A):c.2615G>C (p.Trp872Ser)

Gene: MYO15A (myosin XVA; plus strand). Cytogenetic location: 17p11.2.
Variant type: single nucleotide variant.
Coding change: c.2615G>C on transcript NM_016239.4 (MANE Select); coding-DNA position 2615, G replaced by C.
Protein change: p.Trp872Ser; replaces tryptophan 872 with serine.
Molecular consequence: missense variant.
Genome position (GRCh38, 1-based): chr17:18,121,415, G>C. VCF-style: chr17-18121415-G-C. GRCh37 (hg19) VCF-style: chr17-18024729-G-C.
Other names: short protein forms W872S.
Identifiers: ClinVar variation 1717443 (VCV001717443.5), dbSNP rs2545188911, ClinGen allele CA398584741.